The following is an entry in ClinVar:

NM_033118.4(MYLK2):c.1401T>C (p.Ser467=)

Gene: MYLK2 (myosin light chain kinase 2; plus strand). Cytogenetic location: 20q11.21.
Variant type: single nucleotide variant.
Coding change: c.1401T>C on transcript NM_033118.4 (MANE Select); coding-DNA position 1401, T replaced by C.
Protein change: p.Ser467=; no amino-acid change (serine 467 retained).
Molecular consequence: synonymous variant.
Genome position (GRCh38, 1-based): chr20:31,831,118, T>C. VCF-style: chr20-31831118-T-C. GRCh37 (hg19) VCF-style: chr20-30418921-T-C.
Identifiers: ClinVar variation 508329 (VCV000508329.8), dbSNP rs770625966, ClinGen allele CA9803197.

ClinVar aggregate classification (germline): Likely benign. Review status: criteria provided, multiple submitters, no conflicts (2 of 4 stars). 4 submissions from 4 submitters: Likely benign (4). Last evaluated 2025-05-22.

Conditions:
MYLK2-related disorder. Also called: MYLK2-related condition.
Hypertrophic cardiomyopathy 1 (CMH1). Also called: Familial hypertrophic cardiomyopathy 1; MYH7-Related Familial Hypertrophic Cardiomyopathy. Identifiers: MedGen C3495498, MONDO:0008647, OMIM 192600.

Allele frequency attached by ClinVar (database versions not stated): ExAC 0.00001; gnomAD exomes 0.00001; TOPMed 0.00002; gnomAD 0.00003 and 0.00004.
gnomAD v4.1: 8 of 1,613,380 alleles (0.0005%); highest among the groups gnomAD compares: African/African-American, 0.0094%; no homozygotes.

Submissions (4):

Labcorp Genetics (formerly Invitae), Labcorp
Classification: Likely benign for Hypertrophic cardiomyopathy 1. Last evaluated: 2025-05-22. Review status: criteria provided, single submitter. Criteria: Invitae Variant Classification Sherloc (09022015). Collection method: clinical testing. Allele origin: germline.

PreventionGenetics, part of Exact Sciences
Classification: Likely benign for MYLK2-related condition. Last evaluated: 2025-02-10. Review status: criteria provided, single submitter. Criteria: ACMG Guidelines, 2015. Collection method: clinical testing. Allele origin: germline.
Comment: This variant is classified as likely benign based on ACMG/AMP sequence variant interpretation guidelines (Richards et al. 2015 PMID: 25741868, with internal and published modifications).

Ambry Genetics
Classification: Likely benign. Last evaluated: 2019-10-29. Review status: criteria provided, single submitter. Criteria: Ambry Variant Classification Scheme 2023. Collection method: clinical testing. Allele origin: germline.

GeneDx
Classification: Likely benign. Last evaluated: 2017-03-24. Review status: criteria provided, single submitter. Criteria: GeneDx Variant Classification (06012015). Collection method: clinical testing. Allele origin: germline. Affected: yes.
Comment: This variant is considered likely benign or benign based on one or more of the following criteria: it is a conservative change, it occurs at a poorly conserved position in the protein, it is predicted to be benign by multiple in silico algorithms, and/or has population frequency not consistent with disease.